The following is an entry in ClinVar:

ClinVar aggregate classification (germline): Uncertain significance (1 of 4 stars; one submission).

Conditions:
PTPRJ-related disorder. Also called: PTPRJ-related condition.

Submission:

PreventionGenetics, part of Exact Sciences
Classification: Uncertain significance for PTPRJ-related condition. Last evaluated: 2023-08-16. Review status: criteria provided, single submitter. Criteria: ACMG Guidelines, 2015. Collection method: clinical testing. Allele origin: germline.
Comment: The PTPRJ c.463C>T variant is predicted to result in the amino acid substitution p.His155Tyr. To our knowledge, this variant has not been reported in the literature or in a large population database, indicating this variant is rare. At this time, the clinical significance of this variant is uncertain due to the absence of conclusive functional and genetic evidence.

NM_002843.4(PTPRJ):c.463C>T (p.His155Tyr)

Gene: PTPRJ (protein tyrosine phosphatase receptor type J; plus strand). Cytogenetic location: 11p11.2.
Variant type: single nucleotide variant.
Coding change: c.463C>T on transcript NM_002843.4 (MANE Select); coding-DNA position 463, C replaced by T.
Protein change: p.His155Tyr; replaces histidine 155 with tyrosine.
Molecular consequence: missense variant.
Genome position (GRCh38, 1-based): chr11:48,121,113, C>T. VCF-style: chr11-48121113-C-T. GRCh37 (hg19) VCF-style: chr11-48142665-C-T.
Other names: c.463C>T, p.His155Tyr (NM_001098503.2); short protein forms H155Y.
Identifiers: ClinVar variation 2630937 (VCV002630937.1), dbSNP rs2134339122, ClinGen allele CA380368891.